The following is an entry in ClinVar:

NM_000535.7(PMS2):c.2462C>T (p.Ala821Val)

Gene: PMS2 (PMS1 homolog 2, mismatch repair system component; minus strand). Cytogenetic location: 7p22.1.
Variant type: single nucleotide variant.
Coding change: c.2462C>T on transcript NM_000535.7 (MANE Select); coding-DNA position 2462, C replaced by T.
Protein change: p.Ala821Val; replaces alanine 821 with valine.
Molecular consequence: missense variant. On other transcripts: non-coding transcript variant (1).
Genome position (GRCh38, 1-based): chr7:5,973,526, G>A on the plus strand (C>T on the coding strand, the complement: PMS2 is on the minus strand). VCF-style: chr7-5973526-G-A. GRCh37 (hg19) VCF-style: chr7-6013157-G-A.
Other names: c.2057C>T, p.Ala686Val (NM_001322003.2, NM_001322004.2, NM_001322005.2 and 11 more transcripts); c.2306C>T, p.Ala769Val (NM_001322006.2); c.2144C>T, p.Ala715Val (NM_001322007.2, NM_001322008.2, NM_001406883.1); c.2090C>T, p.Ala697Val (NM_001322009.2, NM_001406887.1, NM_001406888.1); c.1901C>T, p.Ala634Val (NM_001322010.2, NM_001406906.1, NM_001406907.1); c.1529C>T, p.Ala510Val (NM_001322011.2, NM_001322012.2); c.1889C>T, p.Ala630Val (NM_001322013.2, NM_001406908.1, NM_001406909.1); c.2495C>T, p.Ala832Val (NM_001322014.2); and 20 more; short protein forms A510V, A630V, A634V, A650V, A663V, A699V, A715V, A729V.
Identifiers: ClinVar variation 3421493 (VCV003421493.3).

ClinVar aggregate classification (germline): Uncertain significance. Review status: criteria provided, multiple submitters, no conflicts (2 of 4 stars). 2 submissions from 2 submitters: Uncertain significance (2). Last evaluated 2024-10-16.

Conditions:
Hereditary nonpolyposis colorectal neoplasms. Identifiers: MedGen C0009405, MeSH D003123.
Hereditary cancer-predisposing syndrome. Also called: Neoplastic Syndromes, Hereditary; Tumor predisposition; Hereditary Cancer Syndrome; Hereditary neoplastic syndrome. Identifiers: Orphanet 140162, MedGen C0027672, MeSH D009386, MONDO:0015356.

Submissions (2):

Labcorp Genetics (formerly Invitae), Labcorp
Classification: Uncertain significance for Hereditary nonpolyposis colorectal neoplasms. Last evaluated: 2024-10-16. Review status: criteria provided, single submitter. Criteria: Invitae Variant Classification Sherloc (09022015). Collection method: clinical testing. Allele origin: germline.
Comment: This sequence change replaces alanine, which is neutral and non-polar, with valine, which is neutral and non-polar, at codon 821 of the PMS2 protein (p.Ala821Val). The frequency data for this variant in the population databases (gnomAD) is considered unreliable due to the presence of homologous sequence, such as pseudogenes or paralogs, in the genome. This variant has not been reported in the literature in individuals affected with PMS2-related conditions. Invitae Evidence Modeling incorporating data from in vitro experimental studies (internal data) indicates that this missense variant is not expected to disrupt PMS2 function with a negative predictive value of 95%. In summary, the available evidence is currently insufficient to determine the role of this variant in disease. Therefore, it has been classified as a Variant of Uncertain Significance.

Ambry Genetics
Classification: Uncertain significance for Hereditary cancer-predisposing syndrome. Last evaluated: 2024-08-17. Review status: criteria provided, single submitter. Criteria: Ambry Variant Classification Scheme 2023. Collection method: clinical testing. Allele origin: germline.
Comment: The p.A821V variant (also known as c.2462C>T), located in coding exon 15 of the PMS2 gene, results from a C to T substitution at nucleotide position 2462. The alanine at codon 821 is replaced by valine, an amino acid with similar properties. This amino acid position is conserved. In addition, the in silico prediction for this alteration is inconclusive. Based on the available evidence, the clinical significance of this variant remains unclear.